The following is an entry in ClinVar:

NM_000334.4(SCN4A):c.145G>A (p.Glu49Lys)

Gene: SCN4A (sodium voltage-gated channel alpha subunit 4; minus strand). Cytogenetic location: 17q23.3.
Variant type: single nucleotide variant.
Coding change: c.145G>A on transcript NM_000334.4 (MANE Select); coding-DNA position 145, G replaced by A.
Protein change: p.Glu49Lys; replaces glutamic acid 49 with lysine.
Molecular consequence: missense variant.
Genome position (GRCh38, 1-based): chr17:63,972,697, C>T on the plus strand (G>A on the coding strand, the complement: SCN4A is on the minus strand). VCF-style: chr17-63972697-C-T. GRCh37 (hg19) VCF-style: chr17-62050057-C-T.
Other names: short protein forms E49K.
Identifiers: ClinVar variation 950885 (VCV000950885.19), dbSNP rs368011562, ClinGen allele CA8710273.
Genomic context (GRCh38, chr17:63,972,697, plus strand): 5'-CGTAGATCATGGGTAGGTTCTTGCCAGCCTCCAAGTCACTTCGTGGCTTCCGTTCGGGCT[C>T]CTCAATCTCCATCTGCTTATTCCGCTGCAGCCGGGCCTCCTCCTCCACCGCCCGCTGTTC-3'
Protein context (NP_000325.4, residues 39-59): LQRNKQMEIE[Glu49Lys]PERKPRSDLE

ClinVar aggregate classification (germline): Uncertain significance. Review status: criteria provided, multiple submitters, no conflicts (2 of 4 stars). 5 submissions from 5 submitters: Uncertain significance (5). Last evaluated 2025-07-09.

Conditions:
Inborn genetic diseases. Identifiers: MedGen C0950123, MeSH D030342.
Potassium-aggravated myotonia. Also called: Myotonia congenita, atypical, acetazolamide-responsive; MYOTONIA CONGENITA, ACETAZOLAMIDE-RESPONSIVE; MYOTONIA CONGENITA, ATYPICAL; SODIUM CHANNEL MUSCLE DISEASE. Identifiers: Orphanet 612, Orphanet 99734, Orphanet 99735, Orphanet 99736, MedGen C2931826, MONDO:0018959, OMIM 608390.
Congenital myasthenic syndrome 16. Identifiers: Orphanet 590, MedGen C3280112, MONDO:0013620, OMIM 614198.
Paramyotonia congenita of Von Eulenburg. Also called: Paramyotonia Congenita; PARALYSIS PERIODICA PARAMYOTONICA; Eulenburg disease; Myotonia congenita intermittens; Von Eulenburg paramyotonia congenita. Identifiers: Orphanet 684, MedGen C0221055, MONDO:0008195, OMIM 168300. Disease mechanism: loss of function.
Hypokalemic periodic paralysis, type 2 (HOKPP2). Identifiers: Orphanet 681, MedGen C2750061, MONDO:0013234, OMIM 613345.
Congenital myopathy 22A, classic (CMYO22A). Identifiers: MedGen C5830453, MONDO:0957247, OMIM 620351.
Congenital myopathy 22B, severe fetal (CMYO22B). Identifiers: MedGen C5830501, MONDO:0957265, OMIM 620369.
Hyperkalemic periodic paralysis. Also called: Familial hyperkalemic periodic paralysis; Gamstorp disease. Identifiers: Orphanet 682, MedGen C0238357, MONDO:0008224, OMIM 170500, HP:0007215.

Allele frequency attached by ClinVar (database versions not stated): gnomAD exomes 0.00011 and 0.00020; TOPMed 0.00016; ExAC 0.00008; ESP Exome Variant Server 0.00008.
gnomAD v4.1: 299 of 1,613,776 alleles (0.019%); highest among the groups gnomAD compares: Non-Finnish European, 0.024%; no homozygotes.

Submissions (5):

Labcorp Genetics (formerly Invitae), Labcorp
Classification: Uncertain significance for Hyperkalemic periodic paralysis. Last evaluated: 2025-07-09. Review status: criteria provided, single submitter. Criteria: Invitae Variant Classification Sherloc (09022015). Collection method: clinical testing. Allele origin: germline.
Comment: This sequence change replaces glutamic acid, which is acidic and polar, with lysine, which is basic and polar, at codon 49 of the SCN4A protein (p.Glu49Lys). This variant is present in population databases (rs368011562, gnomAD 0.02%). This variant has not been reported in the literature in individuals affected with SCN4A-related conditions. ClinVar contains an entry for this variant (Variation ID: 950885). Invitae Evidence Modeling of protein sequence and biophysical properties (such as structural, functional, and spatial information, amino acid conservation, physicochemical variation, residue mobility, and thermodynamic stability) indicates that this missense variant is not expected to disrupt SCN4A protein function with a negative predictive value of 95%. In summary, the available evidence is currently insufficient to determine the role of this variant in disease. Therefore, it has been classified as a Variant of Uncertain Significance.

Revvity Omics, Revvity
Classification: Uncertain significance. Last evaluated: 2025-05-08. Review status: criteria provided, single submitter. Criteria: ACMG Guidelines, 2015. Collection method: clinical testing. Allele origin: germline.

Ambry Genetics
Classification: Uncertain significance for Inborn genetic diseases. Last evaluated: 2025-01-29. Review status: criteria provided, single submitter. Criteria: Ambry Variant Classification Scheme 2023. Collection method: clinical testing. Allele origin: germline.

Fulgent Genetics
Classification: Uncertain significance for Paramyotonia congenita of Von Eulenburg; Hyperkalemic periodic paralysis; Potassium-aggravated myotonia; Hypokalemic periodic paralysis, type 2; Congenital myasthenic syndrome 16; Congenital myopathy 22A, classic; Congenital myopathy 22B, severe fetal. Last evaluated: 2024-05-14. Review status: criteria provided, single submitter. Criteria: ACMG Guidelines, 2015. Collection method: clinical testing. Allele origin: germline.

GeneDx
Classification: Uncertain significance. Last evaluated: 2023-11-17. Review status: criteria provided, single submitter. Criteria: GeneDx Variant Classification Process June 2021. Collection method: clinical testing. Allele origin: germline.
Comment: In silico analysis supports that this missense variant has a deleterious effect on protein structure/function; Has not been previously published as pathogenic or benign to our knowledge